The following is an entry in ClinVar:

ClinVar aggregate classification (germline): Conflicting classifications of pathogenicity. Review status: criteria provided, conflicting classifications (1 of 4 stars). 6 submissions from 6 submitters: Uncertain significance (3); Likely benign (3). Last evaluated 2025-01-31.

Conditions:
IMPG2-related disorder. Also called: IMPG2-related condition.
Retinal dystrophy. Also called: Inherited retinal dystrophy. Identifiers: Orphanet 71862, MedGen C0854723, MeSH D058499, MONDO:0019118, HP:0000556.
Retinitis pigmentosa (RP). Identifiers: Orphanet 791, MedGen C0035334, MeSH D012174, MONDO:0019200, OMIM 268000. Inheritance: Autosomal dominant, autosomal recessive and X linked inheritance.

Allele frequency attached by ClinVar (database versions not stated): ESP Exome Variant Server 0.00077; TOPMed 0.00060; gnomAD exomes 0.00069 and 0.00095; gnomAD 0.00064 and 0.00063; ExAC 0.00074; 1000 Genomes Project 30x 0.00062; 1000 Genomes Project 0.00080.
gnomAD v4.1: 1,465 of 1,614,050 alleles (0.091%); highest among the groups gnomAD compares: East Asian, 0.39%; 2 homozygotes.

Submissions (6):

PreventionGenetics, part of Exact Sciences
Classification: Likely benign for IMPG2-related condition. Last evaluated: 2025-01-31. Review status: criteria provided, single submitter. Criteria: ACMG Guidelines, 2015. Collection method: clinical testing. Allele origin: germline.
Comment: This variant is classified as likely benign based on ACMG/AMP sequence variant interpretation guidelines (Richards et al. 2015 PMID: 25741868, with internal and published modifications).

Blueprint Genetics
Classification: Likely benign. Last evaluated: 2024-11-20. Review status: criteria provided, single submitter. Criteria: ACMG Guidelines, 2015. Collection method: clinical testing. Allele origin: germline.

Dept Of Ophthalmology, Nagoya University
Classification: Likely benign for Retinal dystrophy. Last evaluated: 2023-10-01. Review status: criteria provided, single submitter. Criteria: Submitter's publication. Collection method: research. Allele origin: germline. Affected: yes.

Labcorp Genetics (formerly Invitae), Labcorp
Classification: Uncertain significance. Last evaluated: 2022-10-04. Review status: criteria provided, single submitter. Criteria: Invitae Variant Classification Sherloc (09022015). Collection method: clinical testing. Allele origin: germline.
Comment: This sequence change replaces isoleucine, which is neutral and non-polar, with valine, which is neutral and non-polar, at codon 528 of the IMPG2 protein (p.Ile528Val). This variant is present in population databases (rs142710242, gnomAD 0.1%), and has an allele count higher than expected for a pathogenic variant. This variant has not been reported in the literature in individuals affected with IMPG2-related conditions. ClinVar contains an entry for this variant (Variation ID: 95746). Algorithms developed to predict the effect of missense changes on protein structure and function output the following: SIFT: "Tolerated"; PolyPhen-2: "Benign"; Align-GVGD: "Class C0". The valine amino acid residue is found in multiple mammalian species, which suggests that this missense change does not adversely affect protein function. In summary, the available evidence is currently insufficient to determine the role of this variant in disease. Therefore, it has been classified as a Variant of Uncertain Significance.

Illumina Laboratory Services, Illumina
Classification: Uncertain significance for Retinitis pigmentosa. Last evaluated: 2018-01-13. Review status: criteria provided, single submitter. Criteria: ICSL Variant Classification Criteria 13 December 2019. Collection method: clinical testing. Allele origin: germline.

Eurofins Ntd Llc (ga)
Classification: Uncertain significance. Last evaluated: 2013-08-30. Review status: criteria provided, single submitter. Criteria: EGL Classification Definitions 2015. Collection method: clinical testing. Allele origin: germline. Observed: 1 variant allele, 1 heterozygote.

NM_016247.4(IMPG2):c.1582A>G (p.Ile528Val)

Gene: IMPG2 (interphotoreceptor matrix proteoglycan 2; minus strand). Cytogenetic location: 3q12.3.
Variant type: single nucleotide variant.
Coding change: c.1582A>G on transcript NM_016247.4 (MANE Select); coding-DNA position 1582, A replaced by G.
Protein change: p.Ile528Val; replaces isoleucine 528 with valine.
Molecular consequence: missense variant.
Genome position (GRCh38, 1-based): chr3:101,244,749, T>C on the plus strand (A>G on the coding strand, the complement: IMPG2 is on the minus strand). VCF-style: chr3-101244749-T-C. GRCh37 (hg19) VCF-style: chr3-100963593-T-C.
Other names: short protein forms I528V.
Identifiers: ClinVar variation 95746 (VCV000095746.17), dbSNP rs142710242, ClinGen allele CA223245.
Genomic context (GRCh38, chr3:101,244,749, plus strand): 5'-TGGATGGTATTGTTTCTTTTGGCACAGGTTGAGTGAATGAACTTGAAGGCAATGAATCAA[T>C]AGAAAGAAAATCTTCTGACTCTTCAACATTGGCTAATCCTAAAAATAAAGTTTTCCATTA-3'
Protein context (NP_057331.2, residues 518-538): NVEESEDFLS[Ile528Val]DSLPSSSFTQ